The following is an entry in ClinVar:

ClinVar aggregate classification (germline): Uncertain significance (1 of 4 stars; one submission).

Conditions:
Noonan syndrome (NS). Also called: Noonan's syndrome. Identifiers: Orphanet 648, MedGen C0028326, MeSH D009634, MONDO:0018997. Disease mechanism: gain of function.

Submission:

Labcorp Genetics (formerly Invitae), Labcorp
Classification: Uncertain significance for Noonan syndrome. Last evaluated: 2022-08-22. Review status: criteria provided, single submitter. Criteria: Invitae Variant Classification Sherloc (09022015). Collection method: clinical testing. Allele origin: germline.
Comment: This sequence change creates a premature translational stop signal (p.Pro26Alafs*32) in the RRAS gene. It is expected to result in an absent or disrupted protein product. However, the current clinical and genetic evidence is not sufficient to establish whether loss-of-function variants in RRAS cause disease. The frequency data for this variant in the population databases is considered unreliable, as metrics indicate poor data quality at this position in the gnomAD database. This variant has not been reported in the literature in individuals affected with RRAS-related conditions. ClinVar contains an entry for this variant (Variation ID: 1489940). In summary, the available evidence is currently insufficient to determine the role of this variant in disease. Therefore, it has been classified as a Variant of Uncertain Significance.

NM_006270.5(RRAS):c.74dup (p.Pro26fs)

Gene: RRAS (RAS related; minus strand). Cytogenetic location: 19q13.33.
Variant type: Duplication.
Coding change: c.74dup on transcript NM_006270.5 (MANE Select); coding-DNA position 74, one base duplicated (C; older notation c.74dupC).
Protein change: p.Pro26fs; shifts the reading frame from proline 26.
Molecular consequence: frameshift variant.
Genome position (GRCh38, 1-based): chr19:49,640,025, G duplicated on the plus strand (C on the coding strand, the reverse complement: RRAS is on the minus strand); the first of 6 consecutive G bases (chr19:49,640,025-49,640,030); duplicating any one gives the same sequence. VCF-style (leftmost placement, unchanged base first): chr19-49640024-C-CG. GRCh37 (hg19) VCF-style: chr19-50143281-C-CG.
Other names: short protein forms P26fs.
Identifiers: ClinVar variation 1489940 (VCV001489940.3), dbSNP rs755237250, ClinGen allele CA9579165.